The following is an entry in ClinVar:

ClinVar aggregate classification (germline): Uncertain significance (1 of 4 stars; one submission).

gnomAD v4.1: 5 of 1,611,986 alleles (0.00031%); highest among the groups gnomAD compares: Non-Finnish European, 0.00042%; no homozygotes.

Submission:

GeneDx
Classification: Uncertain significance. Last evaluated: 2022-02-23. Review status: criteria provided, single submitter. Criteria: GeneDx Variant Classification Process June 2021. Collection method: clinical testing. Allele origin: germline. Affected: yes.
Comment: Not observed at significant frequency in large population cohorts (gnomAD); In silico analysis supports that this missense variant does not alter protein structure/function; Has not been previously published as pathogenic or benign to our knowledge

NM_006493.4(CLN5):c.559A>G (p.Ile187Val)

Gene: CLN5 (CLN5 intracellular trafficking protein; plus strand). Cytogenetic location: 13q22.3.
Variant type: single nucleotide variant.
Coding change: c.559A>G on transcript NM_006493.4 (MANE Select); coding-DNA position 559, A replaced by G.
Protein change: p.Ile187Val; replaces isoleucine 187 with valine.
Molecular consequence: missense variant.
Genome position (GRCh38, 1-based): chr13:76,996,121, A>G. VCF-style: chr13-76996121-A-G. GRCh37 (hg19) VCF-style: chr13-77570256-A-G.
Other names: c.559A>G, p.Ile187Val (NM_001366624.2); short protein forms I187V.
Identifiers: ClinVar variation 1703311 (VCV001703311.2), dbSNP rs1469542057, ClinGen allele CA388309581.